The following is an entry in ClinVar:

NM_000179.3(MSH6):c.1447G>C (p.Val483Leu)

Gene: MSH6 (mutS homolog 6; plus strand). Cytogenetic location: 2p16.3.
Variant type: single nucleotide variant.
Coding change: c.1447G>C on transcript NM_000179.3 (MANE Select); coding-DNA position 1447, G replaced by C.
Protein change: p.Val483Leu; replaces valine 483 with leucine.
Molecular consequence: missense variant.
Genome position (GRCh38, 1-based): chr2:47,799,430, G>C. VCF-style: chr2-47799430-G-C. GRCh37 (hg19) VCF-style: chr2-48026569-G-C.
Other names: c.1057G>C, p.Val353Leu (NM_001281492.2); c.541G>C, p.Val181Leu (NM_001281493.2, NM_001281494.2); short protein forms V483L, V181L, V353L.
Identifiers: ClinVar variation 188121 (VCV000188121.15), dbSNP rs786204084, ClinGen allele CA008628.

ClinVar aggregate classification (germline): Uncertain significance. Review status: criteria provided, multiple submitters, no conflicts (2 of 4 stars). 3 submissions from 3 submitters: Uncertain significance (3). Last evaluated 2024-04-02.

Conditions:
Hereditary nonpolyposis colorectal neoplasms. Identifiers: MedGen C0009405, MeSH D003123.
Hereditary cancer-predisposing syndrome. Also called: Neoplastic Syndromes, Hereditary; Tumor predisposition; Hereditary Cancer Syndrome; Hereditary neoplastic syndrome. Identifiers: Orphanet 140162, MedGen C0027672, MeSH D009386, MONDO:0015356.

Submissions (3):

Ambry Genetics
Classification: Uncertain significance for Hereditary cancer-predisposing syndrome. Last evaluated: 2024-04-02. Review status: criteria provided, single submitter. Criteria: Ambry Variant Classification Scheme 2023. Collection method: clinical testing. Allele origin: germline.
Comment: The p.V483L variant (also known as c.1447G>C), located in coding exon 4 of the MSH6 gene, results from a G to C substitution at nucleotide position 1447. The valine at codon 483 is replaced by leucine, an amino acid with highly similar properties. This amino acid position is highly conserved in available vertebrate species. In addition, this alteration is predicted to be deleterious by in silico analysis. Based on the available evidence, the clinical significance of this alteration remains unclear.

Color Diagnostics, LLC DBA Color Health
Classification: Uncertain significance for Hereditary cancer-predisposing syndrome. Last evaluated: 2023-12-05. Review status: criteria provided, single submitter. Criteria: ACMG Guidelines, 2015. Collection method: clinical testing. Allele origin: germline.
Comment: This missense variant replaces valine with leucine at codon 483 of the MSH6 protein. Computational prediction suggests that this variant may have deleterious impact on protein structure and function (internally defined REVEL score threshold >= 0.7, PMID: 27666373). To our knowledge, functional studies have not been reported for this variant. This variant has not been reported in individuals affected with MSH6-related disorders in the literature. This variant has not been identified in the general population by the Genome Aggregation Database (gnomAD). The available evidence is insufficient to determine the role of this variant in disease conclusively. Therefore, this variant is classified as a Variant of Uncertain Significance.

Labcorp Genetics (formerly Invitae), Labcorp
Classification: Uncertain significance for Hereditary nonpolyposis colorectal neoplasms. Last evaluated: 2022-02-19. Review status: criteria provided, single submitter. Criteria: Invitae Variant Classification Sherloc (09022015). Collection method: clinical testing. Allele origin: germline.
Comment: This variant has not been reported in the literature in individuals affected with MSH6-related conditions. This variant is not present in population databases (gnomAD no frequency). This sequence change replaces valine, which is neutral and non-polar, with leucine, which is neutral and non-polar, at codon 483 of the MSH6 protein (p.Val483Leu). ClinVar contains an entry for this variant (Variation ID: 188121). In summary, the available evidence is currently insufficient to determine the role of this variant in disease. Therefore, it has been classified as a Variant of Uncertain Significance. Advanced modeling of protein sequence and biophysical properties (such as structural, functional, and spatial information, amino acid conservation, physicochemical variation, residue mobility, and thermodynamic stability) performed at Invitae indicates that this missense variant is expected to disrupt MSH6 protein function.